The following is an entry in ClinVar:

NM_000180.4(GUCY2D):c.2649del (p.Phe883fs)

Gene: GUCY2D (guanylate cyclase 2D, retinal; plus strand). Cytogenetic location: 17p13.1.
Variant type: Deletion.
Coding change: c.2649del on transcript NM_000180.4 (MANE Select); coding-DNA position 2649, one base deleted (T; older notation c.2649delT).
Protein change: p.Phe883fs; shifts the reading frame from phenylalanine 883.
Molecular consequence: frameshift variant.
Genome position (GRCh38, 1-based): chr17:8,014,931, T deleted; the last of 3 consecutive T bases (chr17:8,014,929-8,014,931); deleting any one gives the same sequence. VCF-style (leftmost placement, unchanged base first): chr17-8014928-CT-C. GRCh37 (hg19) VCF-style: chr17-7918246-CT-C.
Other names: c.2649delT (NM_000180.3); short protein forms F883fs.
Identifiers: ClinVar variation 982534 (VCV000982534.7), dbSNP rs1598150748, ClinGen allele CA919786042.
Genomic context (GRCh38, chr17:8,014,928, plus strand): 5'-TGAGGCCTTGAAGACGGGGACACCAGTGGAGCCCGAGTACTTTGAGCAAGTGACACTGTA[CT>C]TTAGTGACATTGTGGGCTTCACCACCATCTCTGCCATGAGTGAGCCCATTGAGGTTGTGG-3'

ClinVar aggregate classification (germline): Pathogenic/Likely pathogenic. Review status: criteria provided, multiple submitters, no conflicts (2 of 4 stars). 4 submissions from 4 submitters: Pathogenic (3); Likely pathogenic (1). Last evaluated 2023-07-14.

Conditions:
Leber congenital amaurosis 1 (LCA1). Also called: Congenital absence of the rods and cones; Leber's congenital tapetoretinal degeneration; Leber's congenital tapetoretinal dysplasia; AMAUROSIS CONGENITA OF LEBER I; RETINAL BLINDNESS, CONGENITAL. Identifiers: Orphanet 65, MedGen C2931258, MONDO:0008764, OMIM 204000.
Cone-rod dystrophy 6 (CORD6). Also called: RETINAL CONE DYSTROPHY 2; Cone dystrophy progressive. Identifiers: Orphanet 1872, MedGen C1866293, MONDO:0011143, OMIM 601777.
Retinal dystrophy. Also called: Inherited retinal dystrophy. Identifiers: Orphanet 71862, MedGen C0854723, MeSH D058499, MONDO:0019118, HP:0000556.
Leber congenital amaurosis (LCA). Also called: Leber's amaurosis. Identifiers: Orphanet 65, MedGen C0339527, MeSH D057130, MONDO:0018998.

Submissions (4):

Labcorp Genetics (formerly Invitae), Labcorp
Classification: Pathogenic for Leber congenital amaurosis 1; Cone-rod dystrophy 6. Last evaluated: 2023-07-14. Review status: criteria provided, single submitter. Criteria: Invitae Variant Classification Sherloc (09022015). Collection method: clinical testing. Allele origin: germline.
Comment: This variant is not present in population databases (gnomAD no frequency). This sequence change creates a premature translational stop signal (p.Phe883Leufs*13) in the GUCY2D gene. It is expected to result in an absent or disrupted protein product. Loss-of-function variants in GUCY2D are known to be pathogenic (PMID: 10951519, 11328726). For these reasons, this variant has been classified as Pathogenic. ClinVar contains an entry for this variant (Variation ID: 982534). This premature translational stop signal has been observed in individual(s) with cone dystrophy and/or leber congenital amaurosis (PMID: 28966547, 31144483, 32165824).

Institute of Vision Research, Yonsei University College of Medicine
Classification: Pathogenic for Leber congenital amaurosis. Last evaluated: 2020-07-07. Review status: criteria provided, single submitter. Criteria: ACMG Guidelines, 2015. Collection method: clinical testing. Allele origin: germline. Inheritance: Autosomal recessive inheritance. Affected: yes. Observed: 1 homozygote.

Institute of Human Genetics, Univ. Regensburg, Univ. Regensburg
Classification: Likely pathogenic for Retinal dystrophy. Last evaluated: 2008-01-01. Review status: criteria provided, single submitter. Criteria: ACMG Guidelines, 2015. Collection method: clinical testing. Allele origin: germline. Affected: yes.

Juno Genomics, Hangzhou Juno Genomics, Inc
Classification: Pathogenic for Leber congenital amaurosis 1. Review status: criteria provided, single submitter. Criteria: ACMG Guidelines, 2015. Collection method: clinical testing. Allele origin: germline. Affected: yes.
Comment: Absent from controls (or at extremely low frequency if recessive) in Genome Aggregation Database, Exome Sequencing Project, 1000 Genomes Project, or Exome Aggregation Consortium.;Null variant in a gene where loss of function (LOF) is a known mechanism of disease.;For recessive disorders, detected in trans with a pathogenic variant.

Literature cited by the submitters: PubMed 10951519 (cited by Labcorp Genetics (formerly Invitae), Labcorp); PubMed 11328726 (cited by Labcorp Genetics (formerly Invitae), Labcorp); PubMed 28966547 (cited by Labcorp Genetics (formerly Invitae), Labcorp and Institute of Human Genetics, Univ. Regensburg, Univ. Regensburg); PubMed 31144483 (cited by Labcorp Genetics (formerly Invitae), Labcorp and Institute of Human Genetics, Univ. Regensburg, Univ. Regensburg); PubMed 32165824 (cited by 3 submitters).